The following is an entry in ClinVar:

NM_000051.4(ATM):c.6949A>C (p.Lys2317Gln)

Genes: ATM (ATM serine/threonine kinase; plus strand), C11orf65 (chromosome 11 open reading frame 65; minus strand). Cytogenetic location: 11q22.3.
Variant type: single nucleotide variant.
Coding change: c.6949A>C on transcript NM_000051.4 (MANE Select); coding-DNA position 6949, A replaced by C.
Protein change: p.Lys2317Gln; replaces lysine 2317 with glutamine.
Molecular consequence: missense variant. On other transcripts: intron variant (2).
Genome position (GRCh38, 1-based): chr11:108,326,199, A>C. VCF-style: chr11-108326199-A-C. GRCh37 (hg19) VCF-style: chr11-108196926-A-C.
Other names: c.6949A>C, p.Lys2317Gln (NM_001351834.2); c.641-17128T>G (NM_001330368.2); c.*38+9021T>G (NM_001351110.2); short protein forms K2317Q.
Identifiers: ClinVar variation 3222670 (VCV003222670.1), dbSNP rs866191653, ClinGen allele CA382557309.
Genomic context (GRCh38, chr11:108,326,199, plus strand): 5'-CAAGTATTCTGGGCAAAAAAGGAGCAGAGTCTTGCCCTGAGTATTCTCAAGCAAATGATC[A>C]AGAAGTTGGATGCCAGCTGTGCAGCGGTTTGTTTTTTTTATTGGCTGGATTAGTGTTTTA-3'
Protein context (NP_000042.3, residues 2307-2327): LALSILKQMI[Lys2317Gln]KLDASCAANN

ClinVar aggregate classification (germline): Uncertain significance (1 of 4 stars; one submission).

Conditions:
Hereditary cancer-predisposing syndrome. Also called: Tumor predisposition; Hereditary Cancer Syndrome; Hereditary neoplastic syndrome; Neoplastic Syndromes, Hereditary. Identifiers: Orphanet 140162, MedGen C0027672, MeSH D009386, MONDO:0015356.

Submission:

Ambry Genetics
Classification: Uncertain significance for Hereditary cancer-predisposing syndrome. Last evaluated: 2023-12-04. Review status: criteria provided, single submitter. Criteria: Ambry Variant Classification Scheme 2023. Collection method: clinical testing. Allele origin: germline.
Comment: The p.K2317Q variant (also known as c.6949A>C), located in coding exon 46 of the ATM gene, results from an A to C substitution at nucleotide position 6949. The lysine at codon 2317 is replaced by glutamine, an amino acid with similar properties. This amino acid position is well conserved in available vertebrate species. In addition, the in silico prediction for this alteration is inconclusive. Since supporting evidence is limited at this time, the clinical significance of this alteration remains unclear.